The following is an entry in ClinVar:

ClinVar aggregate classification (germline): Uncertain significance (1 of 4 stars; one submission).

Submission:

GeneDx
Classification: Uncertain significance. Last evaluated: 2020-06-30. Review status: criteria provided, single submitter. Criteria: GeneDx Variant Classification Process June 2021. Collection method: clinical testing. Allele origin: germline. Affected: yes.
Comment: Not observed in large population cohorts (Lek et al., 2016); In silico analysis supports that this missense variant does not alter protein structure/function; Has not been previously published as pathogenic or benign to our knowledge

NM_031407.7(HUWE1):c.2975G>T (p.Gly992Val)

Gene: HUWE1 (HECT, UBA and WWE domain containing E3 ubiquitin protein ligase 1; minus strand). Cytogenetic location: Xp11.22.
Variant type: single nucleotide variant.
Coding change: c.2975G>T on transcript NM_031407.7 (MANE Select); coding-DNA position 2975, G replaced by T.
Protein change: p.Gly992Val; replaces glycine 992 with valine.
Molecular consequence: missense variant.
Genome position (GRCh38, 1-based): chrX:53,600,306, C>A on the plus strand (G>T on the coding strand, the complement: HUWE1 is on the minus strand). VCF-style: chrX-53600306-C-A. GRCh37 (hg19) VCF-style: chrX-53627266-C-A.
Other names: short protein forms G992V.
Identifiers: ClinVar variation 1312915 (VCV001312915.2), dbSNP rs2148590113, ClinGen allele CA413180148.